The following is an entry in ClinVar:

NM_016628.5(WAC):c.-6G>T

Genes: WAC (WW domain containing adaptor with coiled-coil; plus strand), LOC130003574 (ATAC-STARR-seq lymphoblastoid silent region 2253; plus strand). Cytogenetic location: 10p12.1.
Variant type: single nucleotide variant.
Coding change: c.-6G>T on transcript NM_016628.5 (MANE Select); 6 bases upstream of the start codon, G replaced by T.
Molecular consequence: 5 prime UTR variant. On other transcripts: intron variant (1).
Genome position (GRCh38, 1-based): chr10:28,533,574, G>T. VCF-style: chr10-28533574-G-T. GRCh37 (hg19) VCF-style: chr10-28822503-G-T.
Other names: c.-6G>T (NM_100486.4); c.-94-424G>T (NM_100264.3).
Identifiers: ClinVar variation 1700970 (VCV001700970.3), dbSNP rs2132290220, ClinGen allele CA2574519767.

ClinVar aggregate classification (germline): Uncertain significance (1 of 4 stars; one submission).

gnomAD v4.1: 1 of 1,572,802 alleles (0.000064%); no homozygotes.

Submission:

GeneDx
Classification: Uncertain significance. Last evaluated: 2022-10-12. Review status: criteria provided, single submitter. Criteria: GeneDx Variant Classification Process June 2021. Collection method: clinical testing. Allele origin: germline. Affected: yes.
Comment: Not observed at significant frequency in large population cohorts (gnomAD); Has not been previously published as pathogenic or benign to our knowledge